The following is an entry in ClinVar:

NM_006231.4(POLE):c.5553-5C>A

Gene: POLE (DNA polymerase epsilon, catalytic subunit; minus strand). Cytogenetic location: 12q24.33.
Variant type: single nucleotide variant.
Coding change: c.5553-5C>A on transcript NM_006231.4 (MANE Select); 5 bases into the intron before coding-DNA position 5553, C replaced by A.
Molecular consequence: intron variant.
Genome position (GRCh38, 1-based): chr12:132,638,144, G>T on the plus strand (C>A on the coding strand, the complement: POLE is on the minus strand). VCF-style: chr12-132638144-G-T. GRCh37 (hg19) VCF-style: chr12-133214730-G-T.
Identifiers: ClinVar variation 4716863 (VCV004716863.1).

ClinVar aggregate classification (germline): Uncertain significance (1 of 4 stars; one submission).

Submission:

Labcorp Genetics (formerly Invitae), Labcorp
Classification: Uncertain significance. Last evaluated: 2025-04-08. Review status: criteria provided, single submitter. Criteria: Invitae Variant Classification Sherloc (09022015). Collection method: clinical testing. Allele origin: germline.
Comment: This sequence change falls in intron 40 of the POLE gene. It does not directly change the encoded amino acid sequence of the POLE protein. This variant is not present in population databases (gnomAD no frequency). This variant has not been reported in the literature in individuals affected with POLE-related conditions. Algorithms developed to predict the effect of sequence changes on RNA splicing suggest that this variant may create or strengthen a splice site. In summary, the available evidence is currently insufficient to determine the role of this variant in disease. Therefore, it has been classified as a Variant of Uncertain Significance.